The following is an entry in ClinVar:

NM_021096.4(CACNA1I):c.2433C>A (p.Ile811=)

Gene: CACNA1I (calcium voltage-gated channel subunit alpha1 I; plus strand). Cytogenetic location: 22q13.1.
Variant type: single nucleotide variant.
Coding change: c.2433C>A on transcript NM_021096.4 (MANE Select); coding-DNA position 2433, C replaced by A.
Protein change: p.Ile811=; no amino-acid change (isoleucine 811 retained).
Molecular consequence: synonymous variant.
Genome position (GRCh38, 1-based): chr22:39,659,535, C>A. VCF-style: chr22-39659535-C-A. GRCh37 (hg19) VCF-style: chr22-40055540-C-A.
Other names: c.2328C>A, p.Ile776= (NM_001003406.2).
Identifiers: ClinVar variation 4979981 (VCV004979981.1).

ClinVar aggregate classification (germline): Likely benign (1 of 4 stars; one submission).

Conditions:
CACNA1I-related disorder. Also called: CACNA1I-related condition.

gnomAD v4.1: 78 of 1,604,970 alleles (0.0049%); highest among the groups gnomAD compares: Non-Finnish European, 0.0066%; no homozygotes.

Submission:

PreventionGenetics, part of Exact Sciences
Classification: Likely benign for CACNA1I-related condition. Last evaluated: 2025-08-27. Review status: criteria provided, single submitter. Criteria: ACMG Guidelines, 2015. Collection method: clinical testing. Allele origin: germline.
Comment: This variant is classified as likely benign based on ACMG/AMP sequence variant interpretation guidelines (Richards et al. 2015 PMID: 25741868, with internal and published modifications).